The following is an entry in ClinVar:

ClinVar aggregate classification (germline): Uncertain significance (1 of 4 stars; one submission).

Submission:

Labcorp Genetics (formerly Invitae), Labcorp
Classification: Uncertain significance. Last evaluated: 2024-03-14. Review status: criteria provided, single submitter. Criteria: Invitae Variant Classification Sherloc (09022015). Collection method: clinical testing. Allele origin: germline.
Comment: This sequence change replaces isoleucine, which is neutral and non-polar, with valine, which is neutral and non-polar, at codon 280 of the RORB protein (p.Ile280Val). This variant is not present in population databases (gnomAD no frequency). This variant has not been reported in the literature in individuals affected with RORB-related conditions. ClinVar contains an entry for this variant (Variation ID: 2101117). An algorithm developed to predict the effect of missense changes on protein structure and function (PolyPhen-2) suggests that this variant is likely to be tolerated. In summary, the available evidence is currently insufficient to determine the role of this variant in disease. Therefore, it has been classified as a Variant of Uncertain Significance.

NM_006914.4(RORB):c.838A>G (p.Ile280Val)

Gene: RORB (RAR related orphan receptor B; plus strand). Cytogenetic location: 9q21.13.
Variant type: single nucleotide variant.
Coding change: c.838A>G on transcript NM_006914.4 (MANE Select); coding-DNA position 838, A replaced by G.
Protein change: p.Ile280Val; replaces isoleucine 280 with valine.
Molecular consequence: missense variant.
Genome position (GRCh38, 1-based): chr9:74,662,552, A>G. VCF-style: chr9-74662552-A-G. GRCh37 (hg19) VCF-style: chr9-77277468-A-G.
Other names: c.871A>G, p.Ile291Val (NM_001365023.1); short protein forms I291V, I280V.
Identifiers: ClinVar variation 2101117 (VCV002101117.4), dbSNP rs2489626339, ClinGen allele CA373770825.